The following is an entry in ClinVar:

NM_000051.4(ATM):c.8894T>C (p.Leu2965Ser)

Genes: ATM (ATM serine/threonine kinase; plus strand), C11orf65 (chromosome 11 open reading frame 65; minus strand). Cytogenetic location: 11q22.3.
Variant type: single nucleotide variant.
Coding change: c.8894T>C on transcript NM_000051.4 (MANE Select); coding-DNA position 8894, T replaced by C.
Protein change: p.Leu2965Ser; replaces leucine 2965 with serine.
Molecular consequence: missense variant. On other transcripts: intron variant (2).
Genome position (GRCh38, 1-based): chr11:108,365,125, T>C. VCF-style: chr11-108365125-T-C. GRCh37 (hg19) VCF-style: chr11-108235852-T-C.
Other names: c.8894T>C, p.Leu2965Ser (NM_001351834.2); c.640+20795A>G (NM_001330368.2); c.694+20795A>G (NM_001351110.2); short protein forms L2965S.
Identifiers: ClinVar variation 5031194 (VCV005031194.1).

ClinVar aggregate classification (germline): Uncertain significance (1 of 4 stars; one submission).

Conditions:
Hereditary cancer-predisposing syndrome. Also called: Neoplastic Syndromes, Hereditary; Tumor predisposition; Hereditary neoplastic syndrome; Hereditary Cancer Syndrome. Identifiers: Orphanet 140162, MedGen C0027672, MeSH D009386, MONDO:0015356.

Submission:

Ambry Genetics
Classification: Uncertain significance for Hereditary cancer-predisposing syndrome. Last evaluated: 2026-06-16. Review status: criteria provided, single submitter. Criteria: Ambry Variant Classification Scheme 2023. Collection method: clinical testing. Allele origin: germline.
Comment: The p.L2965S variant (also known as c.8894T>C), located in coding exon 61 of the ATM gene, results from a T to C substitution at nucleotide position 8894. The leucine at codon 2965 is replaced by serine, an amino acid with dissimilar properties. In an assay testing ATM function, this variant showed a functionally normal result (Lee KS et al. Cell, 2025 Sep;188:5081-5099.e27). This amino acid position is highly conserved in available vertebrate species. In addition, this alteration is predicted to be deleterious by in silico analysis. Based on the available evidence, the clinical significance of this variant remains unclear.

Literature cited by the submitters: PubMed 40580951.